The following is an entry in ClinVar:

ClinVar aggregate classification (germline): Uncertain significance. Review status: criteria provided, multiple submitters, no conflicts (2 of 4 stars). 2 submissions from 2 submitters: Uncertain significance (2). Last evaluated 2024-02-29.

Conditions:
Charcot-Marie-Tooth disease axonal type 2C (HMSN2C). Also called: Charcot-Marie-Tooth Disease Type 2, TRPV4-Related (CMT2C); CHARCOT-MARIE-TOOTH DISEASE, AXONAL, AUTOSOMAL DOMINANT, TYPE 2C; Charcot-Marie-Tooth Neuropathy Type 2C. Identifiers: Orphanet 99937, MedGen C1853710, MONDO:0011633, OMIM 606071.

Allele frequency attached by ClinVar (database versions not stated): gnomAD exomes below 0.00001.
gnomAD v4.1: 1 of 1,614,182 alleles (0.000062%); highest among the groups gnomAD compares: Non-Finnish European, 0.000085%; no homozygotes.

Submissions (2):

GeneDx
Classification: Uncertain significance. Last evaluated: 2024-02-29. Review status: criteria provided, single submitter. Criteria: GeneDx Variant Classification Process June 2021. Collection method: clinical testing. Allele origin: germline. Affected: yes.
Comment: Not observed at significant frequency in large population cohorts (gnomAD); In silico analysis supports that this missense variant has a deleterious effect on protein structure/function; Has not been previously published as pathogenic or benign to our knowledge

Labcorp Genetics (formerly Invitae), Labcorp
Classification: Uncertain significance for Charcot-Marie-Tooth disease axonal type 2C. Last evaluated: 2020-08-07. Review status: criteria provided, single submitter. Criteria: Invitae Variant Classification Sherloc (09022015). Collection method: clinical testing. Allele origin: germline.
Comment: This sequence change replaces leucine with proline at codon 402 of the TRPV4 protein (p.Leu402Pro). The leucine residue is moderately conserved and there is a moderate physicochemical difference between leucine and proline. This variant is not present in population databases (ExAC no frequency). This variant has not been reported in the literature in individuals with TRPV4-related conditions. Advanced modeling of protein sequence and biophysical properties (such as structural, functional, and spatial information, amino acid conservation, physicochemical variation, residue mobility, and thermodynamic stability) performed at Invitae indicates that this missense variant is expected to disrupt TRPV4 protein function. In summary, the available evidence is currently insufficient to determine the role of this variant in disease. Therefore, it has been classified as a Variant of Uncertain Significance.

NM_021625.5(TRPV4):c.1205T>C (p.Leu402Pro)

Gene: TRPV4 (transient receptor potential cation channel subfamily V member 4; minus strand). Cytogenetic location: 12q24.11.
Variant type: single nucleotide variant.
Coding change: c.1205T>C on transcript NM_021625.5 (MANE Select); coding-DNA position 1205, T replaced by C.
Protein change: p.Leu402Pro; replaces leucine 402 with proline.
Molecular consequence: missense variant. On other transcripts: intron variant (2).
Genome position (GRCh38, 1-based): chr12:109,796,652, A>G on the plus strand (T>C on the coding strand, the complement: TRPV4 is on the minus strand). VCF-style: chr12-109796652-A-G. GRCh37 (hg19) VCF-style: chr12-110234457-A-G.
Other names: c.1064T>C, p.Leu355Pro (NM_001177428.2); c.1103T>C, p.Leu368Pro (NM_001177431.2); c.1011+1962T>C (NM_001177433.1); c.1152+1962T>C (NM_147204.2); short protein forms L355P, L368P, L402P.
Identifiers: ClinVar variation 1020875 (VCV001020875.10), dbSNP rs1890419368, ClinGen allele CA386653849.